The following is an entry in ClinVar:

ClinVar aggregate classification (germline): Uncertain significance (1 of 4 stars; one submission).

Submission:

CeGaT Center for Human Genetics Tuebingen
Classification: Uncertain significance. Last evaluated: 2026-02-01. Review status: criteria provided, single submitter. Criteria: CeGaT Center For Human Genetics Tuebingen Variant Classification Criteria Version 2. Collection method: clinical testing. Allele origin: germline. Affected: yes. Observed: 1 variant allele.
Comment: SFTPA2: PM2, BP4

NM_001098668.4(SFTPA2):c.425A>G (p.Asn142Ser)

Gene: SFTPA2 (surfactant protein A2; minus strand). Cytogenetic location: 10q22.3.
Variant type: single nucleotide variant.
Coding change: c.425A>G on transcript NM_001098668.4 (MANE Select); coding-DNA position 425, A replaced by G.
Protein change: p.Asn142Ser; replaces asparagine 142 with serine.
Molecular consequence: missense variant.
Genome position (GRCh38, 1-based): chr10:79,557,531, T>C on the plus strand (A>G on the coding strand, the complement: SFTPA2 is on the minus strand). VCF-style: chr10-79557531-T-C. GRCh37 (hg19) VCF-style: chr10-81317287-T-C.
Other names: c.425A>G, p.Asn142Ser (NM_001320813.2, NM_001437428.1); c.455A>G, p.Asn152Ser (NM_001320814.1); short protein forms N142S, N152S.
Identifiers: ClinVar variation 4823199 (VCV004823199.4).
Genomic context (GRCh38, chr10:79,557,531, plus strand): 5'-ATGCGGCCGCCTGCTCTGGCACATGCCTCCTGAATGGCATCAAAAGTGATGGACTGCCCA[T>C]TGCTGGAGAAGACCTTCTCTCCTACTGTCATTATGGAGCCCTGCAGACTGAGGGCTGAGA-3'
Protein context (NP_001092138.1, residues 132-152): MTVGEKVFSS[Asn142Ser]GQSITFDAIQ